The following is an entry in ClinVar:

NM_001364905.1(LRBA):c.2881A>G (p.Ile961Val)

Gene: LRBA (LPS responsive beige-like anchor protein; minus strand). Cytogenetic location: 4q31.3.
Variant type: single nucleotide variant.
Coding change: c.2881A>G on transcript NM_001364905.1 (MANE Select); coding-DNA position 2881, A replaced by G.
Protein change: p.Ile961Val; replaces isoleucine 961 with valine.
Molecular consequence: missense variant.
Genome position (GRCh38, 1-based): chr4:150,852,829, T>C on the plus strand (A>G on the coding strand, the complement: LRBA is on the minus strand). VCF-style: chr4-150852829-T-C. GRCh37 (hg19) VCF-style: chr4-151773981-T-C.
Other names: c.2881A>G, p.Ile961Val (NM_001199282.3, NM_001367550.1, NM_006726.5); short protein forms I961V.
Identifiers: ClinVar variation 1500054 (VCV001500054.7), dbSNP rs899655596, ClinGen allele CA107814755.

ClinVar aggregate classification (germline): Uncertain significance (1 of 4 stars; one submission).

Conditions:
Combined immunodeficiency due to LRBA deficiency. Also called: Common variable immunodeficiency 8, with autoimmunity. Identifiers: Orphanet 445018, MedGen C3553512, MONDO:0013863, OMIM 614700.

Allele frequency attached by ClinVar (database versions not stated): gnomAD exomes below 0.00001; TOPMed 0.00001.
gnomAD v4.1: 1 of 1,613,978 alleles (0.000062%); highest among the groups gnomAD compares: African/African-American, 0.0013%; no homozygotes.

Submission:

Labcorp Genetics (formerly Invitae), Labcorp
Classification: Uncertain significance for Combined immunodeficiency due to LRBA deficiency. Last evaluated: 2022-01-27. Review status: criteria provided, single submitter. Criteria: Invitae Variant Classification Sherloc (09022015). Collection method: clinical testing. Allele origin: germline.
Comment: Algorithms developed to predict the effect of missense changes on protein structure and function output the following: SIFT: "Tolerated"; PolyPhen-2: "Benign"; Align-GVGD: "Class C0". The valine amino acid residue is found in multiple mammalian species, which suggests that this missense change does not adversely affect protein function. In summary, the available evidence is currently insufficient to determine the role of this variant in disease. Therefore, it has been classified as a Variant of Uncertain Significance. This variant has not been reported in the literature in individuals affected with LRBA-related conditions. This sequence change replaces isoleucine, which is neutral and non-polar, with valine, which is neutral and non-polar, at codon 961 of the LRBA protein (p.Ile961Val). This variant is not present in population databases (gnomAD no frequency).